The following is an entry in ClinVar:

ClinVar aggregate classification (germline): Likely benign (1 of 4 stars; one submission).

Allele frequency attached by ClinVar (database versions not stated): gnomAD 0.00003; gnomAD exomes 0.00003; TOPMed 0.00005; ExAC 0.00011; ESP Exome Variant Server 0.00016.

Submission:

CeGaT Center for Human Genetics Tuebingen
Classification: Likely benign. Last evaluated: 2022-10-01. Review status: criteria provided, single submitter. Criteria: CeGaT Center For Human Genetics Tuebingen Variant Classification Criteria Version 2. Collection method: clinical testing. Allele origin: germline. Affected: yes. Observed: 1 variant allele.
Comment: SBNO2: BP4, BP7

NM_014963.3(SBNO2):c.1743C>T (p.Arg581=)

Gene: SBNO2 (strawberry notch homolog 2; minus strand). Cytogenetic location: 19p13.3.
Variant type: single nucleotide variant.
Coding change: c.1743C>T on transcript NM_014963.3 (MANE Select); coding-DNA position 1743, C replaced by T.
Protein change: p.Arg581=; no amino-acid change (arginine 581 retained).
Molecular consequence: synonymous variant.
Genome position (GRCh38, 1-based): chr19:1,116,888, G>A on the plus strand (C>T on the coding strand, the complement: SBNO2 is on the minus strand). VCF-style: chr19-1116888-G-A. GRCh37 (hg19) VCF-style: chr19-1116887-G-A.
Other names: c.1572C>T, p.Arg524= (NM_001100122.2).
Identifiers: ClinVar variation 2648902 (VCV002648902.24), dbSNP rs372053329, ClinGen allele CA9038508.